The following is an entry in ClinVar:

ClinVar aggregate classification (germline): Benign. Review status: criteria provided, multiple submitters, no conflicts (2 of 4 stars). 2 submissions from 2 submitters: Benign (2). Last evaluated 2018-06-15.

Allele frequency attached by ClinVar (database versions not stated): 1000 Genomes Project 30x 0.76218; 1000 Genomes Project 0.76418; TOPMed 0.78409; gnomAD 0.79765 and 0.79859; ESP Exome Variant Server 0.80424; gnomAD exomes 0.80949 and 0.84194; ExAC 0.81371.
gnomAD v4.1: 1,336,470 of 1,597,470 alleles (84%); highest among the groups gnomAD compares: Non-Finnish European, 86%; 561,521 homozygotes.

Submissions (2):

GeneDx
Classification: Benign. Last evaluated: 2018-06-15. Review status: criteria provided, single submitter. Criteria: GeneDx Variant Classification (06012015). Collection method: clinical testing. Allele origin: germline. Affected: yes.
Comment: This variant is considered likely benign or benign based on one or more of the following criteria: it is a conservative change, it occurs at a poorly conserved position in the protein, it is predicted to be benign by multiple in silico algorithms, and/or has population frequency not consistent with disease.

Breakthrough Genomics
Classification: Benign. Review status: criteria provided, single submitter. Criteria: ACMG Guidelines, 2015. Collection method: not provided. Allele origin: germline. Inheritance: Unknown mechanism. Affected: yes.

NM_014476.6(PDLIM3):c.663-35A>G

Gene: PDLIM3 (PDZ and LIM domain 3; minus strand). Cytogenetic location: 4q35.1.
Variant type: single nucleotide variant.
Coding change: c.663-35A>G on transcript NM_014476.6 (MANE Select); 35 bases into the intron before coding-DNA position 663, A replaced by G.
Molecular consequence: intron variant.
Genome position (GRCh38, 1-based): chr4:185,506,687, T>C on the plus strand (A>G on the coding strand, the complement: PDLIM3 is on the minus strand). VCF-style: chr4-185506687-T-C. GRCh37 (hg19) VCF-style: chr4-186427841-T-C.
Other names: c.162-35A>G (NM_001257963.2); c.399-35A>G (NM_001257962.2); c.519-35A>G (NM_001114107.5).
Identifiers: ClinVar variation 671178 (VCV000671178.2), dbSNP rs2306705, ClinGen allele CA3159739.
Genomic context (GRCh38, chr4:185,506,687, plus strand): 5'-CGGGGGGCACCGAGGCTGTGGGCTCGCTGAAACACAGGCACGGCGGGGAGCATCGTCAGG[T>C]GCTGGGAGGCACCAGACGTGCAAGAGGCCAGAGACATCAATACTCAGCCATTACTCTATG-3'